The following is an entry in ClinVar:

ClinVar aggregate classification (germline): Pathogenic. Review status: criteria provided, multiple submitters, no conflicts (2 of 4 stars). 8 submissions from 8 submitters: Pathogenic (8). Last evaluated 2026-09-23.

Conditions:
SPAST-related disorder. Also called: SPAST-related condition.
Hereditary spastic paraplegia. Also called: Familial spastic paraparesis. Identifiers: Orphanet 685, MedGen C0037773, MONDO:0019064. Disease mechanism: loss of function.
Hereditary spastic paraplegia 4. Also called: Spastic paraplegia 4, autosomal dominant; Spastic Paraplegia 4; Familial spastic paraplegia autosomal dominant 2. Identifiers: Orphanet 100985, MedGen C1866855, MONDO:0008438, OMIM 182601.

Allele frequency attached by ClinVar (database versions not stated): ExAC 0.00001; gnomAD exomes below 0.00001.
gnomAD v4.1: 2 of 1,612,466 alleles (0.00012%); highest among the groups gnomAD compares: Non-Finnish European, 0.00017%; no homozygotes.

Submissions (8):

GeneDx
Classification: Pathogenic. Last evaluated: 2026-09-23. Review status: criteria provided, single submitter. Criteria: GeneDx Variant Classification Process June 2021. Collection method: clinical testing. Allele origin: germline.
Comment: Reported in multiple individuals with hereditary spastic paraplegia in published literature (PMID: 15841487, 30528841, 27108959, 25045380, 35487127); Nonsense variant predicted to result in protein truncation, as the last 36 amino acid(s) are lost, and other loss-of-function variants have been reported downstream in HGMD; Not observed at significant frequency in large population cohorts (gnomAD); This variant is associated with the following publications: (PMID: 30528841, 27108959, 19289482, 26208798, 22552817, 29246610, 25045380, 35487127, 30489674, 35982160, 35578252, 34983064, 35472722, 15841487, 40571342, 26094131, 21139634)

Labcorp Genetics (formerly Invitae), Labcorp
Classification: Pathogenic for Hereditary spastic paraplegia 4. Last evaluated: 2025-11-26. Review status: criteria provided, single submitter. Criteria: Invitae Variant Classification Sherloc (09022015). Collection method: clinical testing. Allele origin: germline.
Comment: This sequence change creates a premature translational stop signal (p.Arg581*) in the SPAST gene. While this is not anticipated to result in nonsense mediated decay, it is expected to disrupt the last 36 amino acid(s) of the SPAST protein. This variant is present in population databases (rs778023258, gnomAD 0.0009%). This premature translational stop signal has been observed in individuals with hereditary spastic paraplegia (PMID: 15841487, 30528841, 35578252). ClinVar contains an entry for this variant (Variation ID: 988982). Algorithms developed to predict the effect of sequence changes on RNA splicing suggest that this variant may disrupt the consensus splice site. For these reasons, this variant has been classified as Pathogenic.

Genetics Department, Catlab
Classification: Pathogenic for Hereditary spastic paraplegia 4. Last evaluated: 2025-07-31. Review status: criteria provided, single submitter. Criteria: ACMG Guidelines, 2015. Collection method: clinical testing. Allele origin: germline. Affected: yes. Observed: 1 variant allele.
Comment: The c.1741C>T variant is a nonsense variant in the last exon of the protein, not predicted to undergo nonsense mediated decay and which alters <10% of the protein (PVS1_moderate). This change has been previously described in several independent families and patients affected with spastic paraplegia (PMID: 15841487, 17690846, 35578252, 25421405) (PS4_moderate) and has been shown to segregate in at least 4 generations of one family (PMID: 17690846) (PP1_strong). The variant has a rare allele frequency in gnomAD v4.1 (AF=0.000001240) (PM2_moderate). With all the available evidence, the variant is classified as pathogenic.

Blueprint Genetics
Classification: Pathogenic for SPAST-related disorders. Last evaluated: 2023-10-18. Review status: criteria provided, single submitter. Criteria: ACMG Guidelines, 2015. Collection method: clinical testing. Allele origin: germline. Affected: yes. Observed: 3 variant alleles.

Women's Health and Genetics/Laboratory Corporation of America, LabCorp
Classification: Pathogenic for Hereditary spastic paraplegia 4. Last evaluated: 2023-07-06. Review status: criteria provided, single submitter. Criteria: LabCorp Variant Classification Summary - May 2015. Collection method: clinical testing. Allele origin: germline.
Comment: Variant summary: SPAST c.1741C>T (p.Arg581X) results in a premature termination codon in the last exon of the gene, and although it is not expected to undergo nonsense mediate decay, it is predicted to cause a truncation of the encoded protein, a commonly known mechanism for disease. The variant allele was found at a frequency of 4e-06 in 250702 control chromosomes (gnomAD). c.1741C>T has been reported in the literature in multiple individuals from several different families affected with Autosomal Dominant Spastic Paraplegia 4 (e.g. Patrono_2005, Aridon_2007, Lan_2014). These data indicate that the variant is very likely to be associated with disease. The following publications have been ascertained in the context of this evaluation (PMID: 17690846, 25421405, 15841487). Three submitters have cited clinical-significance assessments for this variant to ClinVar after 2014 and all classified the variant as pathogenic. Based on the evidence outlined above, the variant was classified as pathogenic.

Athena Diagnostics
Classification: Pathogenic. Last evaluated: 2021-06-15. Review status: criteria provided, single submitter. Criteria: Athena Diagnostics Criteria. Collection method: clinical testing. Allele origin: unknown.
Comment: This variant is expected to result in the loss of a functional protein. The frequency of this variant in the general population is consistent with pathogenicity. The variant is located in a region that is considered important for protein function and/or structure.

Genome Diagnostics Laboratory, The Hospital for Sick Children
Classification: Pathogenic for Hereditary spastic paraplegia. Last evaluated: 2017-11-01. Review status: criteria provided, single submitter. Criteria: ACMG Guidelines, 2015. Collection method: clinical testing. Allele origin: germline. Affected: yes.

Paris Brain Institute, Inserm - ICM
Classification: Pathogenic for Hereditary spastic paraplegia 4. Review status: criteria provided, single submitter. Criteria: ACMG Guidelines, 2015. Collection method: clinical testing. Allele origin: unknown. Affected: yes. Observed: 2 variant alleles.

Literature cited by the submitters: PubMed 15841487 (cited by 4 submitters); PubMed 30528841 (cited by Labcorp Genetics (formerly Invitae), Labcorp and Athena Diagnostics); PubMed 35578252 (cited by Labcorp Genetics (formerly Invitae), Labcorp and Genetics Department, Catlab); PubMed 17690846 (cited by 3 submitters); PubMed 25421405 (cited by 3 submitters); PubMed 19289482 (cited by Athena Diagnostics); PubMed 25045380 (cited by Athena Diagnostics); PubMed 20562464 (cited by Athena Diagnostics); PubMed 22552817 (cited by Athena Diagnostics).

NM_014946.4(SPAST):c.1741C>T (p.Arg581Ter)

Gene: SPAST (spastin; plus strand). Cytogenetic location: 2p22.3.
Variant type: single nucleotide variant.
Coding change: c.1741C>T on transcript NM_014946.4 (MANE Select); coding-DNA position 1741, C replaced by T.
Protein change: p.Arg581Ter; replaces arginine 581 with a stop codon.
Molecular consequence: nonsense. On other transcripts: 3 prime UTR variant (1).
Genome position (GRCh38, 1-based): chr2:32,154,386, C>T. VCF-style: chr2-32154386-C-T. GRCh37 (hg19) VCF-style: chr2-32379455-C-T.
Other names: c.1738C>T, p.Arg580Ter (NM_001363823.2); c.1642C>T, p.Arg548Ter (NM_001363875.2); c.*14C>T (NM_001377959.1); c.1645C>T, p.Arg549Ter (NM_199436.2); c.1741C>T (NM_014946.3); short protein forms R548*, R549*, R580*, R581*.
Identifiers: ClinVar variation 988982 (VCV000988982.13), dbSNP rs778023258, ClinGen allele CA1601018.